The following is an entry in ClinVar:

NM_005612.5(REST):c.1402G>A (p.Ala468Thr)

Gene: REST (RE1 silencing transcription factor; plus strand). Cytogenetic location: 4q12.
Variant type: single nucleotide variant.
Coding change: c.1402G>A on transcript NM_005612.5 (MANE Select); coding-DNA position 1402, G replaced by A.
Protein change: p.Ala468Thr; replaces alanine 468 with threonine.
Molecular consequence: missense variant.
Genome position (GRCh38, 1-based): chr4:56,930,260, G>A. VCF-style: chr4-56930260-G-A. GRCh37 (hg19) VCF-style: chr4-57796426-G-A.
Other names: c.1402G>A, p.Ala468Thr (NM_001193508.2, NM_001363453.3); short protein forms A468T.
Identifiers: ClinVar variation 1414000 (VCV001414000.8), dbSNP rs2109573490, ClinGen allele CA357006536.

ClinVar aggregate classification (germline): Uncertain significance (1 of 4 stars; one submission).

Submission:

Labcorp Genetics (formerly Invitae), Labcorp
Classification: Uncertain significance. Last evaluated: 2022-06-20. Review status: criteria provided, single submitter. Criteria: Invitae Variant Classification Sherloc (09022015). Collection method: clinical testing. Allele origin: germline.
Comment: In summary, the available evidence is currently insufficient to determine the role of this variant in disease. Therefore, it has been classified as a Variant of Uncertain Significance. Algorithms developed to predict the effect of missense changes on protein structure and function are either unavailable or do not agree on the potential impact of this missense change (SIFT: "Deleterious"; PolyPhen-2: "Benign"; Align-GVGD: "Class C0"). This variant has not been reported in the literature in individuals affected with REST-related conditions. This variant is not present in population databases (gnomAD no frequency). This sequence change replaces alanine, which is neutral and non-polar, with threonine, which is neutral and polar, at codon 468 of the REST protein (p.Ala468Thr).